The following is an entry in ClinVar:

ClinVar aggregate classification (germline): Uncertain significance (1 of 4 stars; one submission).

Conditions:
RASopathy. Also called: rasopathies; Noonan spectrum disorder. Identifiers: Orphanet 536391, MedGen C5555857, MONDO:0021060.

Submission:

Labcorp Genetics (formerly Invitae), Labcorp
Classification: Uncertain significance for RASopathy. Last evaluated: 2024-10-07. Review status: criteria provided, single submitter. Criteria: Invitae Variant Classification Sherloc (09022015). Collection method: clinical testing. Allele origin: germline.
Comment: This sequence change replaces glutamic acid, which is acidic and polar, with aspartic acid, which is acidic and polar, at codon 186 of the MAP2K2 protein (p.Glu186Asp). This variant is not present in population databases (gnomAD no frequency). This variant has not been reported in the literature in individuals affected with MAP2K2-related conditions. ClinVar contains an entry for this variant (Variation ID: 1353966). Invitae Evidence Modeling of protein sequence and biophysical properties (such as structural, functional, and spatial information, amino acid conservation, physicochemical variation, residue mobility, and thermodynamic stability) indicates that this missense variant is not expected to disrupt MAP2K2 protein function with a negative predictive value of 95%. In summary, the available evidence is currently insufficient to determine the role of this variant in disease. Therefore, it has been classified as a Variant of Uncertain Significance.

NM_030662.4(MAP2K2):c.558G>T (p.Glu186Asp)

Gene: MAP2K2 (mitogen-activated protein kinase kinase 2; minus strand). Cytogenetic location: 19p13.3.
Variant type: single nucleotide variant.
Coding change: c.558G>T on transcript NM_030662.4 (MANE Select); coding-DNA position 558, G replaced by T.
Protein change: p.Glu186Asp; replaces glutamic acid 186 with aspartic acid.
Molecular consequence: missense variant.
Genome position (GRCh38, 1-based): chr19:4,101,251, C>A on the plus strand (G>T on the coding strand, the complement: MAP2K2 is on the minus strand). VCF-style: chr19-4101251-C-A. GRCh37 (hg19) VCF-style: chr19-4101249-C-A.
Other names: short protein forms E186D.
Identifiers: ClinVar variation 1353966 (VCV001353966.6), dbSNP rs2145055150, ClinGen allele CA403388947.